The following is an entry in ClinVar:

NM_152564.5(VPS13B):c.5819T>C (p.Leu1940Pro)

Gene: VPS13B (vacuolar protein sorting 13 homolog B; plus strand). Cytogenetic location: 8q22.2.
Variant type: single nucleotide variant.
Coding change: c.5819T>C on transcript NM_152564.5 (MANE Select); coding-DNA position 5819, T replaced by C.
Protein change: p.Leu1940Pro; replaces leucine 1940 with proline.
Molecular consequence: missense variant.
Genome position (GRCh38, 1-based): chr8:99,642,409, T>C. VCF-style: chr8-99642409-T-C. GRCh37 (hg19) VCF-style: chr8-100654637-T-C.
Other names: c.5894T>C, p.Leu1965Pro (NM_017890.5); short protein forms L1940P, L1965P.
Identifiers: ClinVar variation 1511409 (VCV001511409.6), dbSNP rs2133932465, ClinGen allele CA371873367.

ClinVar aggregate classification (germline): Uncertain significance (1 of 4 stars; one submission).

Conditions:
Cohen syndrome (COH1). Also called: PEPPER SYNDROME; Cutis verticis gyrata, retinitis pigmentosa, and sensorineural deafness. Identifiers: Orphanet 193, MedGen C0265223, MONDO:0008999, OMIM 216550.

Submission:

Labcorp Genetics (formerly Invitae), Labcorp
Classification: Uncertain significance for Cohen syndrome. Last evaluated: 2020-12-24. Review status: criteria provided, single submitter. Criteria: Invitae Variant Classification Sherloc (09022015). Collection method: clinical testing. Allele origin: germline.
Comment: In summary, the available evidence is currently insufficient to determine the role of this variant in disease. Therefore, it has been classified as a Variant of Uncertain Significance. Algorithms developed to predict the effect of missense changes on protein structure and function are either unavailable or do not agree on the potential impact of this missense change (SIFT: "Not Available"; PolyPhen-2: "Possibly Damaging"; Align-GVGD: "Not Available"). This variant has not been reported in the literature in individuals with VPS13B-related conditions. This variant is not present in population databases (ExAC no frequency). This sequence change replaces leucine with proline at codon 1965 of the VPS13B protein (p.Leu1965Pro). The leucine residue is moderately conserved and there is a moderate physicochemical difference between leucine and proline.